The following is an entry in ClinVar:

ClinVar aggregate classification (germline): Uncertain significance (1 of 4 stars; one submission).

Allele frequency attached by ClinVar (database versions not stated): gnomAD exomes below 0.00001; ExAC 0.00001.
gnomAD v4.1: 1 of 1,614,122 alleles (0.000062%); highest among the groups gnomAD compares: South Asian, 0.0011%; no homozygotes.

Submission:

GeneDx
Classification: Uncertain significance. Last evaluated: 2018-06-08. Review status: criteria provided, single submitter. Criteria: GeneDx Variant Classification (06012015). Collection method: clinical testing. Allele origin: germline. Affected: yes.
Comment: A variant of uncertain significance has been identified in the FBN2 gene. The G896E variant has not been published as pathogenic or been reported as benign to our knowledge. The G896E variant is not observed at a significant frequency in large population cohorts (Lek et al., 2016). The G896E variant is a non-conservative amino acid substitution, which is likely to impact secondary protein structure as these residues differ in polarity, charge, size and/or other properties. Furthermore, in-silico analyses, including protein predictors and evolutionary conservation, support a deleterious effect. Nevertheless, the G896E variant does not affect a cysteine residue within a calcium-binding EGF-like domain of the FBN2 gene. Cysteine substitutions in the calcium-binding EGF-like domains represent the majority of pathogenic missense changes associated with FBN2-related disorders (Collod-Beroud et al., 2003; FrÃ©dÃ©ric et al., 2009).

NM_001999.4(FBN2):c.2687G>A (p.Gly896Glu)

Gene: FBN2 (fibrillin 2; minus strand). Cytogenetic location: 5q23.3.
Variant type: single nucleotide variant.
Coding change: c.2687G>A on transcript NM_001999.4 (MANE Select); coding-DNA position 2687, G replaced by A.
Protein change: p.Gly896Glu; replaces glycine 896 with glutamic acid.
Molecular consequence: missense variant.
Genome position (GRCh38, 1-based): chr5:128,350,993, C>T on the plus strand (G>A on the coding strand, the complement: FBN2 is on the minus strand). VCF-style: chr5-128350993-C-T. GRCh37 (hg19) VCF-style: chr5-127686685-C-T.
Other names: short protein forms G896E.
Identifiers: ClinVar variation 213291 (VCV000213291.2), dbSNP rs767271613, ClinGen allele CA323881.